The following is an entry in ClinVar:

NM_000057.4(BLM):c.1612G>C (p.Ala538Pro)

Gene: BLM (BLM RecQ like helicase; plus strand). Cytogenetic location: 15q26.1.
Variant type: single nucleotide variant.
Coding change: c.1612G>C on transcript NM_000057.4 (MANE Select); coding-DNA position 1612, G replaced by C.
Protein change: p.Ala538Pro; replaces alanine 538 with proline.
Molecular consequence: missense variant.
Genome position (GRCh38, 1-based): chr15:90,760,985, G>C. VCF-style: chr15-90760985-G-C. GRCh37 (hg19) VCF-style: chr15-91304215-G-C.
Other names: c.1612G>C (NM_000057.2); c.1612G>C, p.Ala538Pro (NM_001287246.2, NM_001287247.2); c.487G>C, p.Ala163Pro (NM_001287248.2); short protein forms A163P, A538P.
Identifiers: ClinVar variation 645228 (VCV000645228.13), dbSNP rs1318049766, ClinGen allele CA393843445.

ClinVar aggregate classification (germline): Uncertain significance. Review status: criteria provided, multiple submitters, no conflicts (2 of 4 stars). 5 submissions from 5 submitters: Uncertain significance (4). 1 of the submissions does not count toward it. Last evaluated 2025-08-11.

Conditions:
BLM-related disorder. Also called: BLM-related condition.
Hereditary cancer-predisposing syndrome. Also called: Neoplastic Syndromes, Hereditary; Tumor predisposition; Hereditary neoplastic syndrome; Hereditary Cancer Syndrome. Identifiers: Orphanet 140162, MedGen C0027672, MeSH D009386, MONDO:0015356.
Bloom syndrome (BLM). Also called: Bloom-Torre-Machacek syndrome. Identifiers: Orphanet 125, MedGen C0005859, MONDO:0008876, OMIM 210900.

Allele frequency attached by ClinVar (database versions not stated): gnomAD exomes below 0.00001; gnomAD 0.00001.
gnomAD v4.1: 4 of 1,611,956 alleles (0.00025%); highest among the groups gnomAD compares: Middle Eastern, 0.016%; no homozygotes.

Submissions (5):

PreventionGenetics, part of Exact Sciences
Classification: Uncertain significance for BLM-related condition. Last evaluated: 2025-08-11. Review status: criteria provided, single submitter. Criteria: ACMG Guidelines, 2015. Collection method: clinical testing. Allele origin: germline.
Comment: The BLM c.1612G>C variant is predicted to result in the amino acid substitution p.Ala538Pro. To our knowledge, this variant has not been reported in the literature. This variant is reported in 1 heterozygous individual within the "other" subpopulation in gnomAD. This variant is interpreted as variant of uncertain significance in ClinVar (Variation ID: 645228). At this time, the clinical significance of this variant is uncertain due to the absence of conclusive functional and genetic evidence.

Ambry Genetics
Classification: Uncertain significance for Hereditary cancer-predisposing syndrome. Last evaluated: 2025-02-15. Review status: criteria provided, single submitter. Criteria: Ambry Variant Classification Scheme 2023. Collection method: clinical testing. Allele origin: germline.
Comment: The p.A538P variant (also known as c.1612G>C), located in coding exon 6 of the BLM gene, results from a G to C substitution at nucleotide position 1612. The alanine at codon 538 is replaced by proline, an amino acid with highly similar properties. This amino acid position is not well conserved in available vertebrate species. In addition, this alteration is predicted to be tolerated by in silico analysis. Since supporting evidence is limited at this time, the clinical significance of this alteration remains unclear.

Labcorp Genetics (formerly Invitae), Labcorp
Classification: Uncertain significance for Bloom syndrome. Last evaluated: 2024-05-08. Review status: criteria provided, single submitter. Criteria: Invitae Variant Classification Sherloc (09022015). Collection method: clinical testing. Allele origin: germline.
Comment: This sequence change replaces alanine, which is neutral and non-polar, with proline, which is neutral and non-polar, at codon 538 of the BLM protein (p.Ala538Pro). This variant is present in population databases (no rsID available, gnomAD no frequency). This variant has not been reported in the literature in individuals affected with BLM-related conditions. ClinVar contains an entry for this variant (Variation ID: 645228). Advanced modeling of protein sequence and biophysical properties (such as structural, functional, and spatial information, amino acid conservation, physicochemical variation, residue mobility, and thermodynamic stability) performed at Invitae indicates that this missense variant is not expected to disrupt BLM protein function with a negative predictive value of 80%. In summary, the available evidence is currently insufficient to determine the role of this variant in disease. Therefore, it has been classified as a Variant of Uncertain Significance.

GeneDx
Classification: Uncertain significance. Last evaluated: 2022-12-19. Review status: criteria provided, single submitter. Criteria: GeneDx Variant Classification Process June 2021. Collection method: clinical testing. Allele origin: germline. Affected: yes.
Comment: Not observed at significant frequency in large population cohorts (gnomAD); In silico analysis supports that this missense variant does not alter protein structure/function; Has not been previously published as pathogenic or benign to our knowledge

Natera, Inc.
Classification: Uncertain significance for Bloom syndrome. Last evaluated: 2018-09-02. Review status: no assertion criteria provided. Collection method: clinical testing. Allele origin: germline. Not counted in ClinVar's aggregate classification.